The following is an entry in ClinVar:

ClinVar aggregate classification (germline): Likely benign (1 of 4 stars; one submission).

Conditions:
MKS1-related disorder. Also called: MKS1-related condition; MKS1-related disorders. Identifiers: MedGen CN239382.

Submission:

PreventionGenetics, part of Exact Sciences
Classification: Likely benign for MKS1-related condition. Last evaluated: 2024-10-23. Review status: criteria provided, single submitter. Criteria: ACMG Guidelines, 2015. Collection method: clinical testing. Allele origin: germline.
Comment: This variant is classified as likely benign based on ACMG/AMP sequence variant interpretation guidelines (Richards et al. 2015 PMID: 25741868, with internal and published modifications).

NM_017777.4(MKS1):c.*92A>G

Gene: MKS1 (MKS transition zone complex subunit 1; minus strand). Cytogenetic location: 17q22.
Variant type: single nucleotide variant.
Coding change: c.*92A>G on transcript NM_017777.4 (MANE Select); 92 bases downstream of the stop codon, A replaced by G.
Molecular consequence: 3 prime UTR variant.
Genome position (GRCh38, 1-based): chr17:58,205,987, T>C on the plus strand (A>G on the coding strand, the complement: MKS1 is on the minus strand). VCF-style: chr17-58205987-T-C. GRCh37 (hg19) VCF-style: chr17-56283348-T-C.
Other names: c.*92A>G (NM_001321268.2); c.*3A>G (NM_001321269.2); c.*184A>G (NM_001330397.2).
Identifiers: ClinVar variation 4977093 (VCV004977093.1).